The following is an entry in ClinVar:

ClinVar aggregate classification (germline): Uncertain significance (1 of 4 stars; one submission).

Allele frequency attached by ClinVar (database versions not stated): gnomAD exomes 0.00002 and 0.00008; ExAC 0.00006; gnomAD 0.00020 and 0.00023; TOPMed 0.00024; ESP Exome Variant Server 0.00031.
gnomAD v4.1: 56 of 1,613,962 alleles (0.0035%); highest among the groups gnomAD compares: African/African-American, 0.052%; no homozygotes.

Submission:

Labcorp Genetics (formerly Invitae), Labcorp
Classification: Uncertain significance. Last evaluated: 2025-12-17. Review status: criteria provided, single submitter. Criteria: Invitae Variant Classification Sherloc (09022015). Collection method: clinical testing. Allele origin: germline.
Comment: This sequence change replaces threonine, which is neutral and polar, with isoleucine, which is neutral and non-polar, at codon 9 of the HMCN1 protein (p.Thr9Ile). This variant is present in population databases (rs150931652, gnomAD 0.07%), and has an allele count higher than expected for a pathogenic variant. This variant has not been reported in the literature in individuals affected with HMCN1-related conditions. ClinVar contains an entry for this variant (Variation ID: 1386439). An algorithm developed to predict the effect of missense changes on protein structure and function (PolyPhen-2) suggests that this variant is likely to be disruptive. In summary, the available evidence is currently insufficient to determine the role of this variant in disease. Therefore, it has been classified as a Variant of Uncertain Significance.

NM_031935.3(HMCN1):c.26C>T (p.Thr9Ile)

Gene: HMCN1 (hemicentin 1; plus strand). Cytogenetic location: 1q25.3.
Variant type: single nucleotide variant.
Coding change: c.26C>T on transcript NM_031935.3 (MANE Select); coding-DNA position 26, C replaced by T.
Protein change: p.Thr9Ile; replaces threonine 9 with isoleucine.
Molecular consequence: missense variant.
Genome position (GRCh38, 1-based): chr1:185,734,805, C>T. VCF-style: chr1-185734805-C-T. GRCh37 (hg19) VCF-style: chr1-185703937-C-T.
Other names: short protein forms T9I.
Identifiers: ClinVar variation 1386439 (VCV001386439.6), dbSNP rs150931652, ClinGen allele CA1290728.